The following is an entry in ClinVar:

ClinVar aggregate classification (germline): Uncertain significance. Review status: criteria provided, multiple submitters, no conflicts (2 of 4 stars). 4 submissions from 4 submitters: Uncertain significance (2). 2 of the submissions do not count toward it. Last evaluated 2022-08-23.

Conditions:
Centromeric instability of chromosomes 1,9 and 16 and immunodeficiency (ICF1). Also called: Immunodeficiency-centromeric instability-facial anomalies; CENTROMERIC INSTABILITY, IMMUNODEFICIENCY SYNDROME; IMMUNE DEFICIENCY, VARIABLE, WITH CENTROMERIC INSTABILITY OF CHROMOSOMES 1, 9, AND 16; IMMUNODEFICIENCY SYNDROME, VARIABLE. Identifiers: Orphanet 2268, MedGen C0398788, MONDO:0000133.

Allele frequency attached by ClinVar (database versions not stated): TOPMed 0.00019; gnomAD 0.00021; ExAC 0.00022; 1000 Genomes Project 30x 0.00031; 1000 Genomes Project 0.00040; ESP Exome Variant Server 0.00046.
gnomAD v4.1: 772 of 1,614,184 alleles (0.048%); highest among the groups gnomAD compares: East Asian, 0.22%; no homozygotes.

Submissions (4):

Labcorp Genetics (formerly Invitae), Labcorp
Classification: Uncertain significance for Centromeric instability of chromosomes 1,9 and 16 and immunodeficiency. Last evaluated: 2022-08-23. Review status: criteria provided, single submitter. Criteria: Invitae Variant Classification Sherloc (09022015). Collection method: clinical testing. Allele origin: germline.
Comment: This sequence change replaces alanine, which is neutral and non-polar, with valine, which is neutral and non-polar, at codon 513 of the DNMT3B protein (p.Ala513Val). This variant is present in population databases (rs116943489, gnomAD 0.04%). This variant has not been reported in the literature in individuals affected with DNMT3B-related conditions. ClinVar contains an entry for this variant (Variation ID: 579562). Algorithms developed to predict the effect of missense changes on protein structure and function are either unavailable or do not agree on the potential impact of this missense change (SIFT: "Deleterious"; PolyPhen-2: "Probably Damaging"; Align-GVGD: "Class C0"). In summary, the available evidence is currently insufficient to determine the role of this variant in disease. Therefore, it has been classified as a Variant of Uncertain Significance.

Blueprint Genetics
Classification: Uncertain significance. Last evaluated: 2022-07-26. Review status: criteria provided, single submitter. Criteria: ACMG Guidelines, 2015. Collection method: clinical testing. Allele origin: germline.

Clinical Genetics DNA and cytogenetics Diagnostics Lab, Erasmus MC, Erasmus Medical Center
Classification: Likely benign. Review status: no assertion criteria provided. Collection method: clinical testing. Allele origin: germline. Affected: yes. Study: VKGL Data-share Consensus. Not counted in ClinVar's aggregate classification.

Laboratory of Diagnostic Genome Analysis, Leiden University Medical Center (LUMC)
Classification: Likely benign. Review status: no assertion criteria provided. Collection method: clinical testing. Allele origin: germline. Affected: yes. Study: VKGL Data-share Consensus. Not counted in ClinVar's aggregate classification.

NM_006892.4(DNMT3B):c.1538C>T (p.Ala513Val)

Genes: DNMT3B (DNA methyltransferase 3 beta; plus strand), LOC126863014 (CDK7 strongly-dependent group 2 enhancer GRCh37_chr20:31385992-31387191; plus strand). Cytogenetic location: 20q11.21.
Variant type: single nucleotide variant.
Coding change: c.1538C>T on transcript NM_006892.4 (MANE Select); coding-DNA position 1538, C replaced by T.
Protein change: p.Ala513Val; replaces alanine 513 with valine.
Molecular consequence: missense variant.
Genome position (GRCh38, 1-based): chr20:32,798,507, C>T. VCF-style: chr20-32798507-C-T. GRCh37 (hg19) VCF-style: chr20-31386313-C-T.
Other names: c.1352C>T, p.Ala451Val (NM_001207055.2); c.1250C>T, p.Ala417Val (NM_001207056.2); c.1478C>T, p.Ala493Val (NM_175848.2, NM_175849.2); c.1514C>T, p.Ala505Val (NM_175850.3); short protein forms A513V, A417V, A505V, A493V, A451V.
Identifiers: ClinVar variation 579562 (VCV000579562.12), dbSNP rs116943489, ClinGen allele CA9810625.